The following is an entry in ClinVar:

ClinVar aggregate classification (germline): Likely pathogenic. Review status: criteria provided, multiple submitters, no conflicts (2 of 4 stars). 2 submissions from 2 submitters: Likely pathogenic (2). Last evaluated 2025-08-17.

Conditions:
Cranioectodermal dysplasia 5. Identifiers: MedGen C6011237, MONDO:0976269, OMIM 621180.
Retinitis pigmentosa 80 (RP80). Identifiers: MedGen C4540439, MONDO:0054708, OMIM 617781.
Saldino-Mainzer syndrome (SRTD9). Also called: CONORENAL SYNDROME; Renal dysplasia, retinal pigmentary dystrophy, cerebellar ataxia and skeletal dysplasia; SHORT-RIB THORACIC DYSPLASIA 9 WITHOUT POLYDACTYLY; short-rib thoracic dysplasia 9 with or without polydactyly. Identifiers: Orphanet 140969, MedGen C1849437, MONDO:0009964, OMIM 266920.

Submissions (2):

Department of Molecular Genetics, Istishari Arab Hospital
Classification: Likely pathogenic for Cranioectodermal dysplasia 5. Last evaluated: 2025-08-17. Review status: criteria provided, single submitter. Criteria: ACMG Guidelines, 2015. Collection method: clinical testing. Allele origin: germline. Inheritance: Autosomal recessive inheritance. Affected: yes.
Comment: The IFT140 variant c.2563C>T, p.Gln855*causes termination in the reading frame at position 855 in exon(s) no. 20 (of 31). This stop-gained (nonsense) variant is predicted to result in a loss or disruption of normal protein function through nonsense-mediated decay (NMD) or protein truncation. Multiple pathogenic variants are reported downstream of the variant. To the best of our knowledge, this variant was not previously reported in the literature. It is not observed in the gnomAD v4.1.0 dataset. It is classified as likely pathogenic (Class 2) based on ACMG/AMP/ClinGen SVI guidelines.

First Genomix Gene Laboratory, Genetic Diagnostics Department
Classification: Likely pathogenic for Retinitis pigmentosa 80; Saldino-Mainzer syndrome. Last evaluated: 2025-04-10. Review status: criteria provided, single submitter. Criteria: ACMG Guidelines, 2015. Collection method: clinical testing. Allele origin: germline. Inheritance: Autosomal recessive inheritance. Affected: no. Observed: 1 variant allele.

NM_014714.4(IFT140):c.2563C>T (p.Gln855Ter)

Gene: IFT140 (intraflagellar transport 140; minus strand). Cytogenetic location: 16p13.3.
Variant type: single nucleotide variant.
Coding change: c.2563C>T on transcript NM_014714.4 (MANE Select); coding-DNA position 2563, C replaced by T.
Protein change: p.Gln855Ter; replaces glutamine 855 with a stop codon.
Molecular consequence: nonsense.
Genome position (GRCh38, 1-based): chr16:1,526,633, G>A on the plus strand (C>T on the coding strand, the complement: IFT140 is on the minus strand). VCF-style: chr16-1526633-G-A. GRCh37 (hg19) VCF-style: chr16-1576634-G-A.
Other names: p.Gln855*; short protein forms Q855*.
Identifiers: ClinVar variation 4075412 (VCV004075412.1).
Genomic context (GRCh38, chr16:1,526,633, plus strand): 5'-GCAGGCGTGGTGCCTTCCCACCCACCCCATGGCGGGCGCCCCTCACCAGCATGCCCAGCT[G>A]CGTGGCCAGCACGGCCACGCGGGCCTCTAGCTCCGGCTCCTGCTCCGCCTCACGCAGCGC-3'